The following is an entry in ClinVar:

ClinVar aggregate classification (germline): Uncertain significance (1 of 4 stars; one submission).

Conditions:
Cardiovascular phenotype. Identifiers: MedGen CN230736.

gnomAD v4.1: 6 of 1,613,884 alleles (0.00037%); highest among the groups gnomAD compares: Non-Finnish European, 0.00051%; no homozygotes.

Submission:

Ambry Genetics
Classification: Uncertain significance for Cardiovascular phenotype. Last evaluated: 2025-01-21. Review status: criteria provided, single submitter. Criteria: Ambry Variant Classification Scheme 2023. Collection method: clinical testing. Allele origin: germline.
Comment: The p.P137H variant (also known as c.410C>A), located in coding exon 3 of the LAMA4 gene, results from a C to A substitution at nucleotide position 410. The proline at codon 137 is replaced by histidine, an amino acid with similar properties. This amino acid position is conserved. In addition, the in silico prediction for this alteration is inconclusive. Based on the available evidence, the clinical significance of this variant remains unclear.

NM_001105206.3(LAMA4):c.410C>A (p.Pro137His)

Gene: LAMA4 (laminin subunit alpha 4; minus strand). Cytogenetic location: 6q21.
Variant type: single nucleotide variant.
Coding change: c.410C>A on transcript NM_001105206.3 (MANE Select); coding-DNA position 410, C replaced by A.
Protein change: p.Pro137His; replaces proline 137 with histidine.
Molecular consequence: missense variant.
Genome position (GRCh38, 1-based): chr6:112,207,033, G>T on the plus strand (C>A on the coding strand, the complement: LAMA4 is on the minus strand). VCF-style: chr6-112207033-G-T. GRCh37 (hg19) VCF-style: chr6-112528234-G-T.
Other names: c.410C>A, p.Pro137His (NM_001105207.3, NM_002290.5); short protein forms P137H.
Identifiers: ClinVar variation 3866194 (VCV003866194.1).